The following is an entry in ClinVar:

NM_000719.7(CACNA1C):c.1921G>A (p.Val641Met)

Gene: CACNA1C (calcium voltage-gated channel subunit alpha1 C; plus strand). Cytogenetic location: 12p13.33.
Variant type: single nucleotide variant.
Coding change: c.1921G>A on transcript NM_000719.7 (MANE Select); coding-DNA position 1921, G replaced by A.
Protein change: p.Val641Met; replaces valine 641 with methionine.
Molecular consequence: missense variant.
Genome position (GRCh38, 1-based): chr12:2,581,615, G>A. VCF-style: chr12-2581615-G-A. GRCh37 (hg19) VCF-style: chr12-2690781-G-A.
Other names: c.1921G>A, p.Val641Met (NM_001129827.2, NM_001129829.2, NM_001129830.3 and 18 more transcripts); c.1912G>A, p.Val638Met (NM_001129844.2); short protein forms V638M, V641M.
Identifiers: ClinVar variation 4532607 (VCV004532607.1).

ClinVar aggregate classification (germline): Uncertain significance (1 of 4 stars; one submission).

Submission:

GeneDx
Classification: Uncertain significance. Last evaluated: 2025-05-27. Review status: criteria provided, single submitter. Criteria: GeneDx Variant Classification Process June 2021. Collection method: clinical testing. Allele origin: germline. Affected: yes.
Comment: Not observed at significant frequency in large population cohorts (gnomAD); In silico analysis supports that this missense variant has a deleterious effect on protein structure/function; Has not been previously published as pathogenic or benign to our knowledge